The following is an entry in ClinVar:

ClinVar aggregate classification (germline): Benign (1 of 4 stars; one submission).

Allele frequency attached by ClinVar (database versions not stated): gnomAD 0.18940 and 0.19148; TOPMed 0.19543; 1000 Genomes Project 0.24441; 1000 Genomes Project 30x 0.24485.

Submission:

GeneDx
Classification: Benign. Last evaluated: 2018-06-16. Review status: criteria provided, single submitter. Criteria: GeneDx Variant Classification (06012015). Collection method: clinical testing. Allele origin: germline. Affected: yes.
Comment: This variant is considered likely benign or benign based on one or more of the following criteria: it is a conservative change, it occurs at a poorly conserved position in the protein, it is predicted to be benign by multiple in silico algorithms, and/or has population frequency not consistent with disease.

NM_001098511.3(KIF2A):c.655-274C>G

Gene: KIF2A (kinesin family member 2A; plus strand). Cytogenetic location: 5q12.1.
Variant type: single nucleotide variant.
Coding change: c.655-274C>G on transcript NM_001098511.3 (MANE Select); 274 bases into the intron before coding-DNA position 655, C replaced by G.
Molecular consequence: intron variant.
Genome position (GRCh38, 1-based): chr5:62,357,417, C>G. VCF-style: chr5-62357417-C-G. GRCh37 (hg19) VCF-style: chr5-61653244-C-G.
Other names: c.574-274C>G (NM_001243952.2); c.655-274C>G (NM_004520.5); c.598-274C>G (NM_001243953.2).
Identifiers: ClinVar variation 669990 (VCV000669990.1), dbSNP rs12696991, ClinGen allele CA12001796.